The following is an entry in ClinVar:

NM_001205293.3(CACNA1E):c.4790T>C (p.Leu1597Pro)

Gene: CACNA1E (calcium voltage-gated channel subunit alpha1 E; plus strand). Cytogenetic location: 1q25.3.
Variant type: single nucleotide variant.
Coding change: c.4790T>C on transcript NM_001205293.3 (MANE Select); coding-DNA position 4790, T replaced by C.
Protein change: p.Leu1597Pro; replaces leucine 1597 with proline.
Molecular consequence: missense variant.
Genome position (GRCh38, 1-based): chr1:181,763,506, T>C. VCF-style: chr1-181763506-T-C. GRCh37 (hg19) VCF-style: chr1-181732642-T-C.
Other names: c.4790T>C, p.Leu1597Pro (NM_000721.4); c.4733T>C, p.Leu1578Pro (NM_001205294.2); short protein forms L1578P, L1597P.
Identifiers: ClinVar variation 3378315 (VCV003378315.1).

ClinVar aggregate classification (germline): Uncertain significance (1 of 4 stars; one submission).

Submission:

GeneDx
Classification: Uncertain significance. Last evaluated: 2024-05-17. Review status: criteria provided, single submitter. Criteria: GeneDx Variant Classification Process June 2021. Collection method: clinical testing. Allele origin: germline. Affected: yes.
Comment: Not observed at significant frequency in large population cohorts (gnomAD); In silico analysis supports that this missense variant has a deleterious effect on protein structure/function; Has not been previously published as pathogenic or benign to our knowledge